The following is an entry in ClinVar:

NM_002439.5(MSH3):c.1085A>G (p.Asp362Gly)

Gene: MSH3 (mutS homolog 3; plus strand). Cytogenetic location: 5q14.1.
Variant type: single nucleotide variant.
Coding change: c.1085A>G on transcript NM_002439.5 (MANE Select); coding-DNA position 1085, A replaced by G.
Protein change: p.Asp362Gly; replaces aspartic acid 362 with glycine.
Molecular consequence: missense variant.
Genome position (GRCh38, 1-based): chr5:80,675,040, A>G. VCF-style: chr5-80675040-A-G. GRCh37 (hg19) VCF-style: chr5-79970859-A-G.
Other names: short protein forms D362G.
Identifiers: ClinVar variation 3722150 (VCV003722150.2).
Genomic context (GRCh38, chr5:80,675,040, plus strand): 5'-TAAATGTGAATCCCCTAATCAAGCTGGATGATGCTGTAAATGTTGATGAGATAATGACTG[A>G]TACTTCTACCAGCTATCTTCTGTGCATCTCTGAAAATAAGGAAAATGTTAGGGACAAAAA-3'
Protein context (NP_002430.3, residues 352-372): DAVNVDEIMT[Asp362Gly]TSTSYLLCIS

ClinVar aggregate classification (germline): Uncertain significance (1 of 4 stars; one submission).

Submission:

Labcorp Genetics (formerly Invitae), Labcorp
Classification: Uncertain significance. Last evaluated: 2024-12-30. Review status: criteria provided, single submitter. Criteria: Invitae Variant Classification Sherloc (09022015). Collection method: clinical testing. Allele origin: germline.
Comment: This sequence change replaces aspartic acid, which is acidic and polar, with glycine, which is neutral and non-polar, at codon 362 of the MSH3 protein (p.Asp362Gly). This variant is not present in population databases (gnomAD no frequency). This variant has not been reported in the literature in individuals affected with MSH3-related conditions. An algorithm developed to predict the effect of missense changes on protein structure and function (PolyPhen-2) suggests that this variant is likely to be tolerated. In summary, the available evidence is currently insufficient to determine the role of this variant in disease. Therefore, it has been classified as a Variant of Uncertain Significance.